The following is an entry in ClinVar:

NM_000059.4(BRCA2):c.1278dup (p.Asp427fs)

Gene: BRCA2 (BRCA2 DNA repair associated; plus strand). Cytogenetic location: 13q13.1.
Variant type: Duplication.
Coding change: c.1278dup on transcript NM_000059.4 (MANE Select); coding-DNA position 1278, one base duplicated (A; older notation c.1278dupA).
Protein change: p.Asp427fs; shifts the reading frame from aspartic acid 427.
Molecular consequence: frameshift variant.
Genome position (GRCh38, 1-based): chr13:32,332,756, A duplicated; the last of 5 consecutive A bases (chr13:32,332,752-32,332,756); duplicating any one gives the same sequence. VCF-style (leftmost placement, unchanged base first): chr13-32332751-G-GA. GRCh37 (hg19) VCF-style: chr13-32906888-G-GA.
Other names: short protein forms D427fs.
Identifiers: ClinVar variation 920855 (VCV000920855.4), dbSNP rs80359274, ClinGen allele CA913188530.

ClinVar aggregate classification (germline): Pathogenic/Likely pathogenic. Review status: criteria provided, multiple submitters, no conflicts (2 of 4 stars). 2 submissions from 2 submitters: Pathogenic (1); Likely pathogenic (1). Last evaluated 2023-06-30.

Conditions:
BRCA2-related disorder. Also called: BRCA2-related condition; BRCA2-related disorders. Identifiers: MedGen CN239275.
Hereditary cancer-predisposing syndrome. Also called: Tumor predisposition; Neoplastic Syndromes, Hereditary; Hereditary neoplastic syndrome; Hereditary Cancer Syndrome. Identifiers: Orphanet 140162, MedGen C0027672, MeSH D009386, MONDO:0015356.

Submissions (2):

Blueprint Genetics
Classification: Likely pathogenic for BRCA2-related disorders. Last evaluated: 2023-06-30. Review status: criteria provided, single submitter. Criteria: ACMG Guidelines, 2015. Collection method: clinical testing. Allele origin: germline. Affected: yes. Observed: 1 variant allele.

Color Diagnostics, LLC DBA Color Health
Classification: Pathogenic for Hereditary cancer-predisposing syndrome. Last evaluated: 2020-01-15. Review status: criteria provided, single submitter. Criteria: ACMG Guidelines, 2015. Collection method: clinical testing. Allele origin: germline.
Comment: This variant inserts 1 nucleotide in exon 10 of the BRCA2 gene, creating a frameshift and premature translation stop signal. This variant is expected to result in an absent or non-functional protein product. This variant has not been identified in the general population by the Genome Aggregation Database (gnomAD). Loss of BRCA2 function is a known mechanism of disease. Based on the available evidence, this variant is classified as Pathogenic.